The following is an entry in ClinVar:

NM_001165963.4(SCN1A):c.4002+2636C>T

Genes: SCN1A (sodium voltage-gated channel alpha subunit 1; minus strand), LOC102724058 (uncharacterized LOC102724058; plus strand). Cytogenetic location: 2q24.3.
Variant type: single nucleotide variant.
Coding change: c.4002+2636C>T on transcript NM_001165963.4 (MANE Select); 2636 bases into the intron after coding-DNA position 4002, C replaced by T.
Molecular consequence: intron variant.
Genome position (GRCh38, 1-based): chr2:166,007,083, G>A on the plus strand (C>T on the coding strand, the complement: SCN1A is on the minus strand). VCF-style: chr2-166007083-G-A. GRCh37 (hg19) VCF-style: chr2-166863593-G-A.
Other names: c.3969+2636C>T (NM_001353949.2, NM_001353950.2, NM_001353951.2 and 2 more transcripts); c.3918+2636C>T (NM_001353958.2, NM_001353957.2, NM_001165964.3); c.4002+2636C>T (NM_001202435.3, NM_001353948.2); c.3966+2636C>T (NM_001353955.2, NM_001353954.2); c.3915+2636C>T (NM_001353960.2); c.1560+2636C>T (NM_001353961.2).
Identifiers: ClinVar variation 2724171 (VCV002724171.3), dbSNP rs2468469943, ClinGen allele CA2697551214.

ClinVar aggregate classification (germline): Uncertain significance (1 of 4 stars; one submission).

Conditions:
Early-infantile DEE. Also called: Early infantile epileptic encephalopathy; Early infantile epileptic encephalopathy with suppression bursts; Ohtahara syndrome. Identifiers: Orphanet 1934, MedGen C0393706, MONDO:0800491.

Submission:

Labcorp Genetics (formerly Invitae), Labcorp
Classification: Uncertain significance for Early-infantile DEE. Last evaluated: 2024-05-15. Review status: criteria provided, single submitter. Criteria: Invitae Variant Classification Sherloc (09022015). Collection method: clinical testing. Allele origin: germline.
Comment: This sequence change falls in intron 20 of the SCN1A gene. It does not directly change the encoded amino acid sequence of the SCN1A protein. However, this sequence change falls within a region encompassing a cryptic exon in the SCN1A gene, in which variants have been shown to alter splicing (PMID: 30526861, 34107977). This variant is not present in population databases (gnomAD no frequency). This variant has not been reported in the literature in individuals affected with SCN1A-related conditions. Algorithms developed to predict the effect of sequence changes on RNA splicing suggest that this variant is not likely to affect RNA splicing. In summary, the available evidence is currently insufficient to determine the role of this variant in disease. Therefore, it has been classified as a Variant of Uncertain Significance.

Literature cited by the submitters: PubMed 30526861; PubMed 34107977.